The following is an entry in ClinVar:

ClinVar aggregate classification (germline): Likely benign (1 of 4 stars; one submission).

gnomAD v4.1: 30 of 1,597,784 alleles (0.0019%); highest among the groups gnomAD compares: Non-Finnish European, 0.0025%; no homozygotes.

Submission:

Mayo Clinic Laboratories, Mayo Clinic
Classification: Likely benign. Last evaluated: 2025-09-30. Review status: criteria provided, single submitter. Criteria: ACMG Guidelines, 2015. Collection method: clinical testing. Allele origin: germline. Observed: 1 variant allele.
Comment: BP4, BP7

NM_001374736.1(DST):c.*5A>G

Gene: DST (dystonin; minus strand). Cytogenetic location: 6p12.1.
Variant type: single nucleotide variant.
Coding change: c.*5A>G on transcript NM_001374736.1 (MANE Select); 5 bases downstream of the stop codon, A replaced by G.
Molecular consequence: 3 prime UTR variant.
Genome position (GRCh38, 1-based): chr6:56,459,000, T>C on the plus strand (A>G on the coding strand, the complement: DST is on the minus strand). VCF-style: chr6-56459000-T-C. GRCh37 (hg19) VCF-style: chr6-56323798-T-C.
Other names: c.*5A>G (NM_001144769.5, NM_001144770.2, NM_001374722.1 and 6 more transcripts).
Identifiers: ClinVar variation 4683197 (VCV004683197.1).
Genomic context (GRCh38, chr6:56,459,000, plus strand): 5'-TATTTTACATCGTTCAAACTTAAATAATAAATGCTCAAGGAAGGGCCTTGGTAGAACCAA[T>C]TGCACTATCTCTTTGAGGACTTGTCCAATTTGCTGGCAGGTGATTTCCTCTGGGGCGTGG-3'